The following is an entry in ClinVar:

ClinVar aggregate classification (germline): Pathogenic (1 of 4 stars; one submission).

Conditions:
Marfan syndrome (MFS). Also called: MARFAN SYNDROME, TYPE I; Marfan syndrome type 1; Marfan's syndrome; Marfan syndrome, classic; FBN1-Related Marfan Syndrome. Identifiers: Orphanet 284963, Orphanet 558, MedGen C0024796, MONDO:0007947, OMIM 154700.
Familial thoracic aortic aneurysm and aortic dissection (TAAD). Also called: Thoracic aortic aneurysms and dissections. Identifiers: Orphanet 91387, MedGen C4707243, MONDO:0019625.

Submission:

Labcorp Genetics (formerly Invitae), Labcorp
Classification: Pathogenic for Marfan syndrome; Familial thoracic aortic aneurysm and aortic dissection. Last evaluated: 2023-09-05. Review status: criteria provided, single submitter. Criteria: Invitae Variant Classification Sherloc (09022015). Collection method: clinical testing. Allele origin: germline.
Comment: Advanced modeling of protein sequence and biophysical properties (such as structural, functional, and spatial information, amino acid conservation, physicochemical variation, residue mobility, and thermodynamic stability) performed at Invitae indicates that this missense variant is expected to disrupt FBN1 protein function. This sequence change replaces cysteine, which is neutral and slightly polar, with tryptophan, which is neutral and slightly polar, at codon 2251 of the FBN1 protein (p.Cys2251Trp). This variant is not present in population databases (gnomAD no frequency). This variant has not been reported in the literature in individuals affected with FBN1-related conditions. This variant affects a cysteine residue in the EGF-like, TGFBP or hybrid motif domains of FBN1. Cysteine residues are believed to be involved in intramolecular disulfide bridges and have been shown to be important for FBN1 protein structure (PMID: 16905551, 19349279). In addition, missense substitutions affecting cysteine residues within these domains are significantly overrepresented among patients with Marfan syndrome (PMID: 16571647, 17701892). This variant disrupts the p.Cys2251 amino acid residue in FBN1. Other variant(s) that disrupt this residue have been observed in individuals with FBN1-related conditions (PMID: 12402346; Invitae), which suggests that this may be a clinically significant amino acid residue. For these reasons, this variant has been classified as Pathogenic.

Literature cited by the submitters: PubMed 16905551; PubMed 19349279; PubMed 16571647; PubMed 17701892; PubMed 12402346.

NM_000138.5(FBN1):c.6753T>G (p.Cys2251Trp)

Gene: FBN1 (fibrillin 1; minus strand). Cytogenetic location: 15q21.1.
Variant type: single nucleotide variant.
Coding change: c.6753T>G on transcript NM_000138.5 (MANE Select); coding-DNA position 6753, T replaced by G.
Protein change: p.Cys2251Trp; replaces cysteine 2251 with tryptophan.
Molecular consequence: missense variant.
Genome position (GRCh38, 1-based): chr15:48,430,789, A>C on the plus strand (T>G on the coding strand, the complement: FBN1 is on the minus strand). VCF-style: chr15-48430789-A-C. GRCh37 (hg19) VCF-style: chr15-48722986-A-C.
Other names: c.6753T>G, p.Cys2251Trp (NM_001406716.1); short protein forms C2251W.
Identifiers: ClinVar variation 2951416 (VCV002951416.3), dbSNP rs2505420278, ClinGen allele CA392332864.